The following is an entry in ClinVar:

ClinVar aggregate classification (germline): Uncertain significance. Review status: criteria provided, multiple submitters, no conflicts (2 of 4 stars). 4 submissions from 4 submitters: Uncertain significance (4). Last evaluated 2025-07-09.

Conditions:
Polycystic kidney disease 2 (PKD2). Also called: POLYCYSTIC KIDNEY DISEASE 2 WITH OR WITHOUT POLYCYSTIC LIVER DISEASE; Polycystic Kidney Disease 2, Autosomal Dominant; POLYCYSTIC KIDNEY DISEASE, ADULT, TYPE II. Identifiers: MedGen C2751306, MONDO:0013131, OMIM 613095.
Autosomal dominant polycystic kidney disease. Identifiers: Orphanet 730, MedGen C0085413, MONDO:0004691.

Allele frequency attached by ClinVar (database versions not stated): gnomAD exomes 0.00002; TOPMed 0.00004; gnomAD 0.00005; ExAC 0.00007.
gnomAD v4.1: 38 of 1,613,546 alleles (0.0024%); highest among the groups gnomAD compares: Middle Eastern, 0.016%; no homozygotes.

Submissions (4):

Labcorp Genetics (formerly Invitae), Labcorp
Classification: Uncertain significance for Autosomal dominant polycystic kidney disease. Last evaluated: 2025-07-09. Review status: criteria provided, single submitter. Criteria: Invitae Variant Classification Sherloc (09022015). Collection method: clinical testing. Allele origin: germline.
Comment: This sequence change replaces serine, which is neutral and polar, with leucine, which is neutral and non-polar, at codon 587 of the PKD2 protein (p.Ser587Leu). This variant is present in population databases (rs773773669, gnomAD 0.03%), and has an allele count higher than expected for a pathogenic variant. This missense change has been observed in individual(s) with polycystic kidney disease (PMID: 27782177). ClinVar contains an entry for this variant (Variation ID: 2654937). Invitae Evidence Modeling of protein sequence and biophysical properties (such as structural, functional, and spatial information, amino acid conservation, physicochemical variation, residue mobility, and thermodynamic stability) indicates that this missense variant is not expected to disrupt PKD2 protein function with a negative predictive value of 80%. In summary, the available evidence is currently insufficient to determine the role of this variant in disease. Therefore, it has been classified as a Variant of Uncertain Significance.

Fulgent Genetics
Classification: Uncertain significance for Polycystic kidney disease 2. Last evaluated: 2024-03-07. Review status: criteria provided, single submitter. Criteria: ACMG Guidelines, 2015. Collection method: clinical testing. Allele origin: germline.

CeGaT Center for Human Genetics Tuebingen
Classification: Uncertain significance. Last evaluated: 2023-01-01. Review status: criteria provided, single submitter. Criteria: CeGaT Center For Human Genetics Tuebingen Variant Classification Criteria Version 2. Collection method: clinical testing. Allele origin: germline. Affected: yes. Observed: 1 variant allele.

Juno Genomics, Hangzhou Juno Genomics, Inc
Classification: Uncertain significance for Polycystic kidney disease 2. Review status: criteria provided, single submitter. Criteria: ACMG Guidelines, 2015. Collection method: clinical testing. Allele origin: germline.
Comment: Absent from controls (or at extremely low frequency if recessive) in Genome Aggregation Database.;Multiple lines of computational evidence support a deleterious effect on the gene or gene product.

Literature cited by the submitters: PubMed 27782177 (cited by Labcorp Genetics (formerly Invitae), Labcorp).

NM_000297.4(PKD2):c.1760C>T (p.Ser587Leu)

Gene: PKD2 (polycystin 2, transient receptor potential cation channel; plus strand). Cytogenetic location: 4q22.1.
Variant type: single nucleotide variant.
Coding change: c.1760C>T on transcript NM_000297.4 (MANE Select); coding-DNA position 1760, C replaced by T.
Protein change: p.Ser587Leu; replaces serine 587 with leucine.
Molecular consequence: missense variant. On other transcripts: non-coding transcript variant (1).
Genome position (GRCh38, 1-based): chr4:88,056,129, C>T. VCF-style: chr4-88056129-C-T. GRCh37 (hg19) VCF-style: chr4-88977281-C-T.
Other names: short protein forms S587L.
Identifiers: ClinVar variation 2654937 (VCV002654937.29), dbSNP rs773773669, ClinGen allele CA3004045.